The following is an entry in ClinVar:

ClinVar aggregate classification (germline): Conflicting classifications of pathogenicity. Review status: criteria provided, conflicting classifications (1 of 4 stars). 4 submissions from 4 submitters: Uncertain significance (3); Likely benign (1). Last evaluated 2026-02-03.

Conditions:
Dilated Cardiomyopathy, Dominant.
Hypertrophic cardiomyopathy. Also called: HYPERTROPHIC MYOCARDIOPATHY. Identifiers: Orphanet 217569, MedGen C0007194, MeSH D002312, MONDO:0005045, HP:0001639.

Allele frequency attached by ClinVar (database versions not stated): 1000 Genomes Project 30x 0.00016; gnomAD 0.00023; TOPMed 0.00074; gnomAD exomes 0.00002 and 0.00735.
gnomAD v4.1: 52 of 1,167,266 alleles (0.0045%); highest among the groups gnomAD compares: Admixed American, 0.24%; no homozygotes.

Submissions (4):

Labcorp Genetics (formerly Invitae), Labcorp
Classification: Uncertain significance. Last evaluated: 2026-02-03. Review status: criteria provided, single submitter. Criteria: Invitae Variant Classification Sherloc (09022015). Collection method: clinical testing. Allele origin: germline.
Comment: This sequence change replaces alanine, which is neutral and non-polar, with glutamic acid, which is acidic and polar, at codon 92 of the CTF1 protein (p.Ala92Glu). The frequency data for this variant in the population databases is considered unreliable, as metrics indicate poor data quality at this position in the gnomAD database. This variant has not been reported in the literature in individuals affected with CTF1-related conditions. ClinVar contains an entry for this variant (Variation ID: 163017). An algorithm developed to predict the effect of missense changes on protein structure and function (PolyPhen-2) suggests that this variant is likely to be tolerated. In summary, the available evidence is currently insufficient to determine the role of this variant in disease. Therefore, it has been classified as a Variant of Uncertain Significance.

Center for Advanced Laboratory Medicine, UC San Diego Health, University of California San Diego
Classification: Likely benign for Hypertrophic cardiomyopathy. Last evaluated: 2018-11-22. Review status: criteria provided, single submitter. Criteria: ACMG Guidelines, 2015. Collection method: clinical testing. Allele origin: germline. Affected: yes. Observed: 1 variant allele.

Fulgent Genetics
Classification: Uncertain significance for Dilated Cardiomyopathy, Dominant. Last evaluated: 2018-10-31. Review status: criteria provided, single submitter. Criteria: ACMG Guidelines, 2015. Collection method: clinical testing. Allele origin: unknown.

Laboratory for Molecular Medicine, Mass General Brigham Personalized Medicine
Classification: Uncertain significance. Last evaluated: 2013-09-30. Review status: criteria provided, single submitter. Criteria: LMM Criteria. Collection method: clinical testing. Allele origin: germline. Observed: 1 variant allele.
Comment: The Ala92Glu variant in CTF1 has not been reported in individuals with cardiomyo pathy. Data from large population studies is insufficient to assess the frequenc y of this variant. Computational analyses (biochemical amino acid properties, co nservation, AlignGVGD, PolyPhen2, and SIFT) suggest that this variant may not im pact the protein, though this information is not predictive enough to rule out p athogenicity. Additional information is needed to fully assess the clinical sign ificance of the Ala92Glu variant.

NM_001330.5(CTF1):c.275C>A (p.Ala92Glu)

Genes: CTF1 (cardiotrophin 1; plus strand), LOC130058878 (ATAC-STARR-seq lymphoblastoid silent region 7400; plus strand). Cytogenetic location: 16p11.2.
Variant type: single nucleotide variant.
Coding change: c.275C>A on transcript NM_001330.5 (MANE Select); coding-DNA position 275, C replaced by A.
Protein change: p.Ala92Glu; replaces alanine 92 with glutamic acid.
Molecular consequence: missense variant. On other transcripts: non-coding transcript variant (1).
Genome position (GRCh38, 1-based): chr16:30,902,208, C>A. VCF-style: chr16-30902208-C-A. GRCh37 (hg19) VCF-style: chr16-30913529-C-A.
Other names: c.272C>A, p.Ala91Glu (NM_001142544.3); short protein forms A92E, A91E.
Identifiers: ClinVar variation 163017 (VCV000163017.15), dbSNP rs727502949, ClinGen allele CA175614.